The following is an entry in ClinVar:

ClinVar aggregate classification (germline): Uncertain significance (1 of 4 stars; one submission).

Submission:

Labcorp Genetics (formerly Invitae), Labcorp
Classification: Uncertain significance. Last evaluated: 2020-08-30. Review status: criteria provided, single submitter. Criteria: Invitae Variant Classification Sherloc (09022015). Collection method: clinical testing. Allele origin: germline.
Comment: This sequence change replaces leucine with serine at codon 280 of the GEN1 protein (p.Leu280Ser). The leucine residue is moderately conserved and there is a large physicochemical difference between leucine and serine. In summary, the available evidence is currently insufficient to determine the role of this variant in disease. Therefore, it has been classified as a Variant of Uncertain Significance. Algorithms developed to predict the effect of missense changes on protein structure and function are either unavailable or do not agree on the potential impact of this missense change (SIFT: "Deleterious"; PolyPhen-2: "Probably Damaging"; Align-GVGD: "Class C0"). This variant has not been reported in the literature in individuals with GEN1-related conditions. This variant is not present in population databases (ExAC no frequency).

NM_001130009.3(GEN1):c.839T>C (p.Leu280Ser)

Gene: GEN1 (GEN1 structure-specific endonuclease; plus strand). Cytogenetic location: 2p24.2.
Variant type: single nucleotide variant.
Coding change: c.839T>C on transcript NM_001130009.3 (MANE Select); coding-DNA position 839, T replaced by C.
Protein change: p.Leu280Ser; replaces leucine 280 with serine.
Molecular consequence: missense variant.
Genome position (GRCh38, 1-based): chr2:17,772,670, T>C. VCF-style: chr2-17772670-T-C. GRCh37 (hg19) VCF-style: chr2-17953937-T-C.
Other names: c.839T>C, p.Leu280Ser (NM_182625.5); short protein forms L280S.
Identifiers: ClinVar variation 1042467 (VCV001042467.8), dbSNP rs1672246528, ClinGen allele CA345916685.
Genomic context (GRCh38, chr2:17,772,670, plus strand): 5'-TACTTTTTTTGGGTCTCCATAAAGGTTCACCTAAGGATCATGAACGTAATGGATGCAGAT[T>C]ATGTAAAAGTGATAAATATTGTGAGCCACATGACTATGAATACTGCTGTCCTTGTGAGTG-3'
Protein context (NP_001123481.3, residues 270-290): PKDHERNGCR[Leu280Ser]CKSDKYCEPH